The following is an entry in ClinVar:

ClinVar aggregate classification (germline): Uncertain significance (1 of 4 stars; one submission).

Conditions:
Pyruvate dehydrogenase E3-binding protein deficiency (PDHXD). Also called: E3-Binding Protein (Component X) Deficiency; LACTIC ACIDEMIA DUE TO DEFECT IN LIPOYL-CONTAINING COMPONENT X OF THE PYRUVATE DEHYDROGENASE COMPLEX; Lacticacidemia due to PDX1 deficiency; PYRUVATE HYDROGENASE E3-BINDING PROTEIN DEFICIENCY. Identifiers: Orphanet 255182, MedGen C1855553, MONDO:0009503, OMIM 245349.

Allele frequency attached by ClinVar (database versions not stated): TOPMed below 0.00001; gnomAD 0.00001 and 0.00002; ExAC 0.00003; gnomAD exomes 0.00004 and 0.00006.
gnomAD v4.1: 68 of 1,613,702 alleles (0.0042%); highest among the groups gnomAD compares: South Asian, 0.063%; no homozygotes.

Submission:

Labcorp Genetics (formerly Invitae), Labcorp
Classification: Uncertain significance. Last evaluated: 2023-11-19. Review status: criteria provided, single submitter. Criteria: Invitae Variant Classification Sherloc (09022015). Collection method: clinical testing. Allele origin: germline.
Comment: This sequence change replaces arginine, which is basic and polar, with histidine, which is basic and polar, at codon 160 of the PDHX protein (p.Arg160His). This variant is present in population databases (rs747386411, gnomAD 0.04%). This variant has not been reported in the literature in individuals affected with PDHX-related conditions. ClinVar contains an entry for this variant (Variation ID: 489392). Advanced modeling of protein sequence and biophysical properties (such as structural, functional, and spatial information, amino acid conservation, physicochemical variation, residue mobility, and thermodynamic stability) performed at Invitae indicates that this missense variant is not expected to disrupt PDHX protein function with a negative predictive value of 80%. In summary, the available evidence is currently insufficient to determine the role of this variant in disease. Therefore, it has been classified as a Variant of Uncertain Significance.

NM_003477.3(PDHX):c.479G>A (p.Arg160His)

Gene: PDHX (pyruvate dehydrogenase complex component X; plus strand). Cytogenetic location: 11p13.
Variant type: single nucleotide variant.
Coding change: c.479G>A on transcript NM_003477.3 (MANE Select); coding-DNA position 479, G replaced by A.
Protein change: p.Arg160His; replaces arginine 160 with histidine.
Molecular consequence: missense variant. On other transcripts: intron variant (1).
Genome position (GRCh38, 1-based): chr11:34,957,520, G>A. VCF-style: chr11-34957520-G-A. GRCh37 (hg19) VCF-style: chr11-34979067-G-A.
Other names: c.299G>A, p.Arg100His (NM_001135024.2); c.342+9914G>A (NM_001166158.2); short protein forms R160H, R100H.
Identifiers: ClinVar variation 489392 (VCV000489392.5), dbSNP rs747386411, ClinGen allele CA5945875.